The following is an entry in ClinVar:

NM_020686.6(ABAT):c.74C>G (p.Ser25Cys)

Gene: ABAT (4-aminobutyrate aminotransferase; plus strand). Cytogenetic location: 16p13.2.
Variant type: single nucleotide variant.
Coding change: c.74C>G on transcript NM_020686.6 (MANE Select); coding-DNA position 74, C replaced by G.
Protein change: p.Ser25Cys; replaces serine 25 with cysteine.
Molecular consequence: missense variant. On other transcripts: 5 prime UTR variant (3), intron variant (2).
Genome position (GRCh38, 1-based): chr16:8,746,004, C>G. VCF-style: chr16-8746004-C-G. GRCh37 (hg19) VCF-style: chr16-8839861-C-G.
Other names: c.74C>G, p.Ser25Cys (NM_000663.5, NM_001127448.2, NM_001386600.1 and 11 more transcripts); c.-62C>G (NM_001386611.1, NM_001386612.1, NM_001386613.1); c.71-2104C>G (NM_001386610.1); c.70+10195C>G (NM_001386614.1); short protein forms S25C.
Identifiers: ClinVar variation 1942502 (VCV001942502.3), dbSNP rs2059317445, ClinGen allele CA394692130.

ClinVar aggregate classification (germline): Uncertain significance (1 of 4 stars; one submission).

Conditions:
Gamma-aminobutyric acid transaminase deficiency (GABATD). Also called: GABA transaminase deficiency; Gamma aminobutyrate transaminase deficiency; 4 alpha aminobutyrate transaminase deficiency; GABA aminotransaminase deficiency. Identifiers: Orphanet 2066, MedGen C0342708, MONDO:0013166, OMIM 613163.

Allele frequency attached by ClinVar (database versions not stated): gnomAD exomes below 0.00001.
gnomAD v4.1: 1 of 1,613,802 alleles (0.000062%); no homozygotes.

Submission:

Labcorp Genetics (formerly Invitae), Labcorp
Classification: Uncertain significance for Gamma-aminobutyric acid transaminase deficiency. Last evaluated: 2024-01-21. Review status: criteria provided, single submitter. Criteria: Invitae Variant Classification Sherloc (09022015). Collection method: clinical testing. Allele origin: germline.
Comment: This sequence change replaces serine, which is neutral and polar, with cysteine, which is neutral and slightly polar, at codon 25 of the ABAT protein (p.Ser25Cys). This variant is not present in population databases (gnomAD no frequency). This variant has not been reported in the literature in individuals affected with ABAT-related conditions. ClinVar contains an entry for this variant (Variation ID: 1942502). Algorithms developed to predict the effect of missense changes on protein structure and function output the following: SIFT: "Not Available"; PolyPhen-2: "Benign"; Align-GVGD: "Not Available". The cysteine amino acid residue is found in multiple mammalian species, which suggests that this missense change does not adversely affect protein function. In summary, the available evidence is currently insufficient to determine the role of this variant in disease. Therefore, it has been classified as a Variant of Uncertain Significance.